The following is an entry in ClinVar:

ClinVar aggregate classification (germline): Uncertain significance. Review status: criteria provided, multiple submitters, no conflicts (2 of 4 stars). 2 submissions from 2 submitters: Uncertain significance (2). Last evaluated 2025-04-13.

Conditions:
Inborn genetic diseases. Identifiers: MedGen C0950123, MeSH D030342.
Bethlem myopathy 1A. Also called: Bethlem myopathy 1; Bethlem Muscular Dystrophy; MYOPATHY, BENIGN CONGENITAL, WITH CONTRACTURES. Identifiers: Orphanet 610, MedGen CN029274, MONDO:0024530, OMIM 158810.

Allele frequency attached by ClinVar (database versions not stated): TOPMed 0.00002; gnomAD 0.00001; gnomAD exomes 0.00001 and 0.00002.
gnomAD v4.1: 26 of 1,613,972 alleles (0.0016%); highest among the groups gnomAD compares: Non-Finnish European, 0.0021%; no homozygotes.

Submissions (2):

Ambry Genetics
Classification: Uncertain significance for Inborn genetic diseases. Last evaluated: 2025-04-13. Review status: criteria provided, single submitter. Criteria: Ambry Variant Classification Scheme 2023. Collection method: clinical testing. Allele origin: germline.

Labcorp Genetics (formerly Invitae), Labcorp
Classification: Uncertain significance for Bethlem myopathy 1A. Last evaluated: 2023-10-09. Review status: criteria provided, single submitter. Criteria: Invitae Variant Classification Sherloc (09022015). Collection method: clinical testing. Allele origin: germline.
Comment: This sequence change replaces glutamic acid, which is acidic and polar, with lysine, which is basic and polar, at codon 1607 of the COL6A3 protein (p.Glu1607Lys). This variant is present in population databases (no rsID available, gnomAD 0.002%). This missense change has been observed in individual(s) with clinical features of autosomal dominant COL6A3-related conditions (Invitae). ClinVar contains an entry for this variant (Variation ID: 1460567). Advanced modeling of protein sequence and biophysical properties (such as structural, functional, and spatial information, amino acid conservation, physicochemical variation, residue mobility, and thermodynamic stability) performed at Invitae indicates that this missense variant is not expected to disrupt COL6A3 protein function. In summary, the available evidence is currently insufficient to determine the role of this variant in disease. Therefore, it has been classified as a Variant of Uncertain Significance.

NM_004369.4(COL6A3):c.4819G>A (p.Glu1607Lys)

Gene: COL6A3 (collagen type VI alpha 3 chain; minus strand). Cytogenetic location: 2q37.3.
Variant type: single nucleotide variant.
Coding change: c.4819G>A on transcript NM_004369.4 (MANE Select); coding-DNA position 4819, G replaced by A.
Protein change: p.Glu1607Lys; replaces glutamic acid 1607 with lysine.
Molecular consequence: missense variant.
Genome position (GRCh38, 1-based): chr2:237,368,644, C>T on the plus strand (G>A on the coding strand, the complement: COL6A3 is on the minus strand). VCF-style: chr2-237368644-C-T. GRCh37 (hg19) VCF-style: chr2-238277287-C-T.
Other names: c.4819G>A (NM_004369.3); c.2998G>A, p.Glu1000Lys (NM_057166.5); c.4201G>A, p.Glu1401Lys (NM_057167.4); short protein forms E1607K, E1000K, E1401K.
Identifiers: ClinVar variation 1460567 (VCV001460567.7), dbSNP rs1386145634, ClinGen allele CA351190886.
Genomic context (GRCh38, chr2:237,368,644, plus strand): 5'-TGTCCACCCCTGGAGGTGCAGGAGTGGCTGCGGAGGGTCCAAACGAGTTCATGATTCTTT[C>T]TTCTATGTTGGGAAGCTCTCTGAACTCTCGCACTGTGAAGACCAGTCTGGGGTCATTGGT-3'
Protein context (NP_004360.2, residues 1597-1617): REFRELPNIE[Glu1607Lys]RIMNSFGPSA